The following is an entry in ClinVar:

ClinVar aggregate classification (germline): Conflicting classifications of pathogenicity. Review status: criteria provided, conflicting classifications (1 of 4 stars). 6 submissions from 6 submitters: Uncertain significance (3); Likely benign (2). 1 of the submissions does not count toward it. Last evaluated 2026-01-31.

Conditions:
Hereditary cancer. Identifiers: MedGen C1333600.
Hereditary cancer-predisposing syndrome. Also called: Neoplastic Syndromes, Hereditary; Hereditary neoplastic syndrome; Hereditary Cancer Syndrome; Tumor predisposition. Identifiers: Orphanet 140162, MedGen C0027672, MeSH D009386, MONDO:0015356.
POLD1-related polyposis and colorectal cancer syndrome (CRCS10). Also called: Colorectal cancer, susceptibility to, 10; Colorectal cancer 10; COLORECTAL CANCER, SUSCEPTIBILITY TO, ON CHROMOSOME 19q. Identifiers: Orphanet 220460, MedGen C2675481, MONDO:0012953, OMIM 612591.
Immunodeficiency 120. Identifiers: MedGen C5935622, MONDO:0970994, OMIM 620836.
Mandibular hypoplasia-deafness-progeroid syndrome. Also called: Mandibular hypoplasia, deafness, progeroid features, and lipodystrophy syndrome. Identifiers: Orphanet 363649, MedGen C3715192, MONDO:0014157, OMIM 615381.
POLD1-related disorder. Also called: POLD1-related disorders; POLD1-related condition.

Allele frequency attached by ClinVar (database versions not stated): gnomAD exomes 0.00001; gnomAD 0.00008 and 0.00009; TOPMed 0.00033.
gnomAD v4.1: 21 of 1,611,860 alleles (0.0013%); highest among the groups gnomAD compares: Admixed American, 0.02%; no homozygotes.

Submissions (6):

Labcorp Genetics (formerly Invitae), Labcorp
Classification: Uncertain significance for POLD1-related polyposis and colorectal cancer syndrome. Last evaluated: 2026-01-31. Review status: criteria provided, single submitter. Criteria: Invitae Variant Classification Sherloc (09022015). Collection method: clinical testing. Allele origin: germline.
Comment: This sequence change replaces aspartic acid, which is acidic and polar, with asparagine, which is neutral and polar, at codon 1091 of the POLD1 protein (p.Asp1091Asn). This variant is not present in population databases (gnomAD no frequency). This variant has not been reported in the literature in individuals affected with POLD1-related conditions. ClinVar contains an entry for this variant (Variation ID: 407995). Invitae Evidence Modeling of protein sequence and biophysical properties (such as structural, functional, and spatial information, amino acid conservation, physicochemical variation, residue mobility, and thermodynamic stability) indicates that this missense variant is not expected to disrupt POLD1 protein function with a negative predictive value of 80%. In summary, the available evidence is currently insufficient to determine the role of this variant in disease. Therefore, it has been classified as a Variant of Uncertain Significance.

Mendelics
Classification: Likely benign for Hereditary cancer. Last evaluated: 2024-09-11. Review status: criteria provided, single submitter. Criteria: ACMG Guidelines, 2015. Collection method: clinical testing. Allele origin: unknown.
Comment: This variant is considered likely benign or benign based on one or more of the following: it is predicted to be benign by multiple in silico algorithms, and/or has population frequency not consistent with disease, and/or has normal protein function, and/or has lack of segregation with disease, and/or has been detected in co-occurrence with known pathogenic variant, and/or has lack of disease association in case-control studies, and/or is located in a region inconsistent with a known cause of pathogenicity.

Ambry Genetics
Classification: Likely benign for Hereditary cancer-predisposing syndrome. Last evaluated: 2024-03-07. Review status: criteria provided, single submitter. Criteria: Ambry Variant Classification Scheme 2023. Collection method: clinical testing. Allele origin: germline.

Fulgent Genetics
Classification: Uncertain significance for POLD1-related polyposis and colorectal cancer syndrome; Mandibular hypoplasia-deafness-progeroid syndrome; Immunodeficiency 120. Last evaluated: 2024-01-25. Review status: criteria provided, single submitter. Criteria: ACMG Guidelines, 2015. Collection method: clinical testing. Allele origin: germline.

GeneDx
Classification: Uncertain significance. Last evaluated: 2023-10-16. Review status: criteria provided, single submitter. Criteria: GeneDx Variant Classification Process June 2021. Collection method: clinical testing. Allele origin: germline. Affected: yes.
Comment: Not observed at significant frequency in large population cohorts (gnomAD); In silico analysis supports that this missense variant does not alter protein structure/function; Has not been previously published as a pathogenic or benign germline variant; This variant is associated with the following publications: (PMID: 29056344)

PreventionGenetics, part of Exact Sciences
Classification: Uncertain significance for POLD1-related condition. Last evaluated: 2024-06-18. Review status: no assertion criteria provided. Collection method: clinical testing. Allele origin: germline. Not counted in ClinVar's aggregate classification.
Comment: The POLD1 c.3271G>A variant is predicted to result in the amino acid substitution p.Asp1091Asn. To our knowledge, this variant has not been reported in the literature or in a large population database, indicating it is rare. In ClinVar, this variant has been classified as likely benign and uncertain significance. At this time, the clinical significance of this variant is uncertain due to the absence of conclusive functional and genetic evidence.

NM_002691.4(POLD1):c.3271G>A (p.Asp1091Asn)

Gene: POLD1 (DNA polymerase delta 1, catalytic subunit; plus strand). Cytogenetic location: 19q13.33.
Variant type: single nucleotide variant.
Coding change: c.3271G>A on transcript NM_002691.4 (MANE Select); coding-DNA position 3271, G replaced by A.
Protein change: p.Asp1091Asn; replaces aspartic acid 1091 with asparagine.
Molecular consequence: missense variant. On other transcripts: non-coding transcript variant (1).
Genome position (GRCh38, 1-based): chr19:50,417,894, G>A. VCF-style: chr19-50417894-G-A. GRCh37 (hg19) VCF-style: chr19-50921151-G-A.
Other names: c.3271G>A, p.Asp1091Asn (NM_001256849.1); c.3349G>A, p.Asp1117Asn (NM_001308632.1); short protein forms D1091N, D1117N.
Identifiers: ClinVar variation 407995 (VCV000407995.21), dbSNP rs946088822, ClinGen allele CA16616440.